The following is an entry in ClinVar:

NM_024652.6(LRRK1):c.1096A>C (p.Lys366Gln)

Gene: LRRK1 (leucine rich repeat kinase 1; plus strand). Cytogenetic location: 15q26.3.
Variant type: single nucleotide variant.
Coding change: c.1096A>C on transcript NM_024652.6 (MANE Select); coding-DNA position 1096, A replaced by C.
Protein change: p.Lys366Gln; replaces lysine 366 with glutamine.
Molecular consequence: missense variant.
Genome position (GRCh38, 1-based): chr15:101,010,556, A>C. VCF-style: chr15-101010556-A-C. GRCh37 (hg19) VCF-style: chr15-101550761-A-C.
Other names: short protein forms K366Q.
Identifiers: ClinVar variation 2106938 (VCV002106938.4), dbSNP rs779206703, ClinGen allele CA7760785.

ClinVar aggregate classification (germline): Uncertain significance (1 of 4 stars; one submission).

Allele frequency attached by ClinVar (database versions not stated): gnomAD exomes below 0.00001; ExAC 0.00001.

Submission:

Labcorp Genetics (formerly Invitae), Labcorp
Classification: Uncertain significance. Last evaluated: 2023-02-16. Review status: criteria provided, single submitter. Criteria: Invitae Variant Classification Sherloc (09022015). Collection method: clinical testing. Allele origin: germline.
Comment: An algorithm developed to predict the effect of missense changes on protein structure and function (PolyPhen-2) suggests that this variant is likely to be tolerated. In summary, the available evidence is currently insufficient to determine the role of this variant in disease. Therefore, it has been classified as a Variant of Uncertain Significance. This sequence change replaces lysine, which is basic and polar, with glutamine, which is neutral and polar, at codon 366 of the LRRK1 protein (p.Lys366Gln). This variant is present in population databases (rs779206703, gnomAD 0.0009%). This variant has not been reported in the literature in individuals affected with LRRK1-related conditions.